The following is an entry in ClinVar:

NM_012193.4(FZD4):c.631T>C (p.Tyr211His)

Genes: FZD4 (frizzled class receptor 4; minus strand), PRSS23 (serine protease 23; plus strand). Cytogenetic location: 11q14.2.
Variant type: single nucleotide variant.
Coding change: c.631T>C on transcript NM_012193.4 (MANE Select); coding-DNA position 631, T replaced by C.
Protein change: p.Tyr211His; replaces tyrosine 211 with histidine.
Molecular consequence: missense variant. On other transcripts: non-coding transcript variant (2).
Genome position (GRCh38, 1-based): chr11:86,952,125, A>G on the plus strand (T>C on the coding strand, the complement: FZD4 is on the minus strand). VCF-style: chr11-86952125-A-G. GRCh37 (hg19) VCF-style: chr11-86663167-A-G.
Other names: short protein forms Y211H.
Identifiers: ClinVar variation 1406941 (VCV001406941.4), dbSNP rs1271212127, ClinGen allele CA382015193.

ClinVar aggregate classification (germline): Uncertain significance (1 of 4 stars; one submission).

Allele frequency attached by ClinVar (database versions not stated): gnomAD exomes 0.00001 and 0.00002; TOPMed 0.00002.
gnomAD v4.1: 8 of 1,613,600 alleles (0.0005%); highest among the groups gnomAD compares: East Asian, 0.013%; no homozygotes.

Submission:

Labcorp Genetics (formerly Invitae), Labcorp
Classification: Uncertain significance. Last evaluated: 2025-08-01. Review status: criteria provided, single submitter. Criteria: Invitae Variant Classification Sherloc (09022015). Collection method: clinical testing. Allele origin: germline.
Comment: This sequence change replaces tyrosine, which is neutral and polar, with histidine, which is basic and polar, at codon 211 of the FZD4 protein (p.Tyr211His). This variant is present in population databases (no rsID available, gnomAD 0.03%). This missense change has been observed in individuals with familial exudative vitreoretinopathy (PMID: 23077402, 27555740, 34860240). ClinVar contains an entry for this variant (Variation ID: 1406941). An algorithm developed to predict the effect of missense changes on protein structure and function outputs the following: PolyPhen-2: "Benign". The histidine amino acid residue is found in multiple mammalian species, which suggests that this missense change does not adversely affect protein function. Experimental studies are conflicting or provide insufficient evidence to determine the effect of this variant on FZD4 function (PMID: 27096003). In summary, the available evidence is currently insufficient to determine the role of this variant in disease. Therefore, it has been classified as a Variant of Uncertain Significance.

Literature cited by the submitters: PubMed 23077402; PubMed 27555740; PubMed 34860240; PubMed 27096003.